The following is an entry in ClinVar:

NM_000829.4(GRIA4):c.1108G>T (p.Val370Phe)

Gene: GRIA4 (glutamate ionotropic receptor AMPA type subunit 4; plus strand). Cytogenetic location: 11q22.3.
Variant type: single nucleotide variant.
Coding change: c.1108G>T on transcript NM_000829.4 (MANE Select); coding-DNA position 1108, G replaced by T.
Protein change: p.Val370Phe; replaces valine 370 with phenylalanine.
Molecular consequence: missense variant. On other transcripts: non-coding transcript variant (1).
Genome position (GRCh38, 1-based): chr11:105,905,251, G>T. VCF-style: chr11-105905251-G-T. GRCh37 (hg19) VCF-style: chr11-105775977-G-T.
Other names: c.1108G>T, p.Val370Phe (NM_001077243.3, NM_001077244.2, NM_001112812.2); short protein forms V370F.
Identifiers: ClinVar variation 3764443 (VCV003764443.1).

ClinVar aggregate classification (germline): Uncertain significance (1 of 4 stars; one submission).

gnomAD v4.1: 1 of 1,610,274 alleles (0.000062%); no homozygotes.

Submission:

GeneDx
Classification: Uncertain significance. Last evaluated: 2024-08-19. Review status: criteria provided, single submitter. Criteria: GeneDx Variant Classification Process June 2021. Collection method: clinical testing. Allele origin: germline. Affected: yes.
Comment: Not observed at significant frequency in large population cohorts (gnomAD); In silico analysis indicates that this missense variant does not alter protein structure/function; Has not been previously published as pathogenic or benign to our knowledge